The following is an entry in ClinVar:

NM_001199107.2(TBC1D24):c.227A>G (p.Asp76Gly)

Gene: TBC1D24 (TBC1 domain family member 24; plus strand). Cytogenetic location: 16p13.3.
Variant type: single nucleotide variant.
Coding change: c.227A>G on transcript NM_001199107.2 (MANE Select); coding-DNA position 227, A replaced by G.
Protein change: p.Asp76Gly; replaces aspartic acid 76 with glycine.
Molecular consequence: missense variant.
Genome position (GRCh38, 1-based): chr16:2,496,375, A>G. VCF-style: chr16-2496375-A-G. GRCh37 (hg19) VCF-style: chr16-2546376-A-G.
Other names: c.227A>G, p.Asp76Gly (NM_020705.3); short protein forms D76G.
Identifiers: ClinVar variation 1717743 (VCV001717743.6), dbSNP rs2505512551, ClinGen allele CA394375082.
Genomic context (GRCh38, chr16:2,496,375, plus strand): 5'-AGCGCCTGATCCGGGACATTCCCTGCCGCACGGTCACGCCTGACGCCAGCGTGTACAGCG[A>G]CATCGTGGGCAAGATCGTGGGCAAGCACAGCAGCAGCTGCCTGCCGCTGCCCGAGTTCGT-3'
Protein context (NP_001186036.1, residues 66-86): TVTPDASVYS[Asp76Gly]IVGKIVGKHS

ClinVar aggregate classification (germline): Uncertain significance (1 of 4 stars; one submission).

Conditions:
Developmental and epileptic encephalopathy, 1 (DEE1). Also called: X-linked infantile spasms; West's syndrome; Tonic spasms with clustering, arrest of psychomotor development and hypsarrhythmia on EEG; X-Linked Infantile Spasm Syndrome; OHTAHARA SYNDROME, X-LINKED; INFANTILE SPASM SYNDROME, X-LINKED 1. Identifiers: MedGen C3463992, MONDO:0010632, OMIM 308350. Disease mechanism: loss of function.
Autosomal dominant nonsyndromic hearing loss 65. Also called: TBC1D24-Related Autosomal Dominant Nonsyndromic Hearing Loss (DFNA); Deafness, autosomal dominant 65. Identifiers: Orphanet 90635, MedGen C3892048, MONDO:0014470, OMIM 616044.

Submission:

Labcorp Genetics (formerly Invitae), Labcorp
Classification: Uncertain significance for Developmental and epileptic encephalopathy, 1; Autosomal dominant nonsyndromic hearing loss 65. Last evaluated: 2022-08-22. Review status: criteria provided, single submitter. Criteria: Invitae Variant Classification Sherloc (09022015). Collection method: clinical testing. Allele origin: germline.
Comment: Advanced modeling of protein sequence and biophysical properties (such as structural, functional, and spatial information, amino acid conservation, physicochemical variation, residue mobility, and thermodynamic stability) performed at Invitae indicates that this missense variant is expected to disrupt TBC1D24 protein function. This variant has not been reported in the literature in individuals affected with TBC1D24-related conditions. This variant is not present in population databases (gnomAD no frequency). This sequence change replaces aspartic acid, which is acidic and polar, with glycine, which is neutral and non-polar, at codon 76 of the TBC1D24 protein (p.Asp76Gly). In summary, the available evidence is currently insufficient to determine the role of this variant in disease. Therefore, it has been classified as a Variant of Uncertain Significance.